The following is an entry in ClinVar:

ClinVar aggregate classification (germline): Uncertain significance (1 of 4 stars; one submission).

Conditions:
Cardiovascular phenotype. Identifiers: MedGen CN230736.

gnomAD v4.1: 3 of 1,550,328 alleles (0.00019%); highest among the groups gnomAD compares: South Asian, 0.0036%; no homozygotes.

Submission:

Ambry Genetics
Classification: Uncertain significance for Cardiovascular phenotype. Last evaluated: 2024-12-28. Review status: criteria provided, single submitter. Criteria: Ambry Variant Classification Scheme 2023. Collection method: clinical testing. Allele origin: germline.
Comment: The p.P1872L variant (also known as c.5615C>T), located in coding exon 2 of the ZNF469 gene, results from a C to T substitution at nucleotide position 5615. The proline at codon 1872 is replaced by leucine, an amino acid with similar properties. This amino acid position is conserved. In addition, this alteration is predicted to be tolerated by in silico analysis. Based on the available evidence, the clinical significance of this variant remains unclear.

NM_001367624.2(ZNF469):c.5699C>T (p.Pro1900Leu)

Gene: ZNF469 (zinc finger protein 469; plus strand). Cytogenetic location: 16q24.2.
Variant type: single nucleotide variant.
Coding change: c.5699C>T on transcript NM_001367624.2 (MANE Select); coding-DNA position 5699, C replaced by T.
Protein change: p.Pro1900Leu; replaces proline 1900 with leucine.
Molecular consequence: missense variant.
Genome position (GRCh38, 1-based): chr16:88,433,169, C>T. VCF-style: chr16-88433169-C-T. GRCh37 (hg19) VCF-style: chr16-88499577-C-T.
Other names: NM_001127464.1:c.5615C>T; short protein forms P1900L.
Identifiers: ClinVar variation 3821099 (VCV003821099.1).